The following is an entry in ClinVar:

NM_000459.5(TEK):c.1753A>T (p.Lys585Ter)

Gene: TEK (TEK receptor tyrosine kinase; plus strand). Cytogenetic location: 9p21.2.
Variant type: single nucleotide variant.
Coding change: c.1753A>T on transcript NM_000459.5 (MANE Select); coding-DNA position 1753, A replaced by T.
Protein change: p.Lys585Ter; replaces lysine 585 with a stop codon.
Molecular consequence: nonsense.
Genome position (GRCh38, 1-based): chr9:27,197,443, A>T. VCF-style: chr9-27197443-A-T. GRCh37 (hg19) VCF-style: chr9-27197441-A-T.
Other names: c.1624A>T, p.Lys542Ter (NM_001290077.2, NM_001375476.1); c.1312A>T, p.Lys438Ter (NM_001290078.2); c.1753A>T, p.Lys585Ter (NM_001375475.1); short protein forms K585*, K438*, K542*.
Identifiers: ClinVar variation 3664064 (VCV003664064.2).
Genomic context (GRCh38, chr9:27,197,443, plus strand): 5'-CCAATATTTCCAAGCTCGGAAGATGACTTTTATGTTGAAGTGGAGAGAAGGTCTGTGCAA[A>T]AAAGTGATCAGCAGAATATTAAAGTTCCAGGCAACTTGACTTCGGTGCTACTTAACAACT-3'

ClinVar aggregate classification (germline): Pathogenic (1 of 4 stars; one submission).

Submission:

Labcorp Genetics (formerly Invitae), Labcorp
Classification: Pathogenic. Last evaluated: 2024-09-26. Review status: criteria provided, single submitter. Criteria: Invitae Variant Classification Sherloc (09022015). Collection method: clinical testing. Allele origin: germline.
Comment: This sequence change creates a premature translational stop signal (p.Lys585*) in the TEK gene. It is expected to result in an absent or disrupted protein product. Loss-of-function variants in TEK are known to be pathogenic (PMID: 27270174). This variant is not present in population databases (gnomAD no frequency). This variant has not been reported in the literature in individuals affected with TEK-related conditions. For these reasons, this variant has been classified as Pathogenic.

Literature cited by the submitters: PubMed 27270174.